The following is an entry in ClinVar:

NM_000117.3(EMD):c.662G>A (p.Arg221His)

Gene: EMD (emerin; plus strand). Cytogenetic location: Xq28.
Variant type: single nucleotide variant.
Coding change: c.662G>A on transcript NM_000117.3 (MANE Select); coding-DNA position 662, G replaced by A.
Protein change: p.Arg221His; replaces arginine 221 with histidine.
Molecular consequence: missense variant.
Genome position (GRCh38, 1-based): chrX:154,381,094, G>A. VCF-style: chrX-154381094-G-A. GRCh37 (hg19) VCF-style: chrX-153609454-G-A.
Other names: c.662G>A (NM_000117.2); short protein forms R221H.
Identifiers: ClinVar variation 1427457 (VCV001427457.8), dbSNP rs782057378, ClinGen allele CA10561658.

ClinVar aggregate classification (germline): Uncertain significance. Review status: criteria provided, multiple submitters, no conflicts (2 of 4 stars). 2 submissions from 2 submitters: Uncertain significance (2). Last evaluated 2026-06-03.

Conditions:
X-linked Emery-Dreifuss muscular dystrophy. Also called: Muscular dystrophy, tardive Emery-Dreifuss type, with contractures. Identifiers: Orphanet 261, Orphanet 98863, MedGen C0751337, MONDO:0010680.

Submissions (2):

GeneDx
Classification: Uncertain significance. Last evaluated: 2026-06-03. Review status: criteria provided, single submitter. Criteria: GeneDx Variant Classification Process June 2021. Collection method: clinical testing. Allele origin: germline.
Comment: Has not been previously published as pathogenic or benign to our knowledge; Missense variants in this gene are a common cause of disease and they are underrepresented in the general population; In silico analysis supports that this missense variant has a deleterious effect on protein structure/function

Labcorp Genetics (formerly Invitae), Labcorp
Classification: Uncertain significance for X-linked Emery-Dreifuss muscular dystrophy. Last evaluated: 2023-10-22. Review status: criteria provided, single submitter. Criteria: Invitae Variant Classification Sherloc (09022015). Collection method: clinical testing. Allele origin: germline.
Comment: This sequence change replaces arginine, which is basic and polar, with histidine, which is basic and polar, at codon 221 of the EMD protein (p.Arg221His). This variant is present in population databases (rs782057378, gnomAD 0.001%). This variant has not been reported in the literature in individuals affected with EMD-related conditions. ClinVar contains an entry for this variant (Variation ID: 1427457). Advanced modeling of protein sequence and biophysical properties (such as structural, functional, and spatial information, amino acid conservation, physicochemical variation, residue mobility, and thermodynamic stability) performed at Invitae indicates that this missense variant is not expected to disrupt EMD protein function. In summary, the available evidence is currently insufficient to determine the role of this variant in disease. Therefore, it has been classified as a Variant of Uncertain Significance.